The following is an entry in ClinVar:

NM_000257.4(MYH7):c.531C>A (p.Thr177=)

Gene: MYH7 (myosin heavy chain 7; minus strand). Cytogenetic location: 14q11.2.
Variant type: single nucleotide variant.
Coding change: c.531C>A on transcript NM_000257.4 (MANE Select); coding-DNA position 531, C replaced by A.
Protein change: p.Thr177=; no amino-acid change (threonine 177 retained).
Molecular consequence: synonymous variant.
Genome position (GRCh38, 1-based): chr14:23,431,869, G>T on the plus strand (C>A on the coding strand, the complement: MYH7 is on the minus strand). VCF-style: chr14-23431869-G-T. GRCh37 (hg19) VCF-style: chr14-23901078-G-T.
Other names: c.531C>A, p.Thr177= (NM_001407004.1).
Identifiers: ClinVar variation 2078859 (VCV002078859.2), dbSNP rs200035152, ClinGen allele CA257826107.

ClinVar aggregate classification (germline): Uncertain significance (1 of 4 stars; one submission).

Conditions:
Hypertrophic cardiomyopathy. Also called: HYPERTROPHIC MYOCARDIOPATHY. Identifiers: Orphanet 217569, MedGen C0007194, MeSH D002312, MONDO:0005045, HP:0001639.

Submission:

Labcorp Genetics (formerly Invitae), Labcorp
Classification: Uncertain significance for Hypertrophic cardiomyopathy. Last evaluated: 2022-03-26. Review status: criteria provided, single submitter. Criteria: Invitae Variant Classification Sherloc (09022015). Collection method: clinical testing. Allele origin: germline.
Comment: This variant is not present in population databases (gnomAD no frequency). This sequence change affects codon 177 of the MYH7 mRNA. It is a 'silent' change, meaning that it does not change the encoded amino acid sequence of the MYH7 protein. It affects a nucleotide within the consensus splice site. This variant has not been reported in the literature in individuals affected with MYH7-related conditions. In summary, the available evidence is currently insufficient to determine the role of this variant in disease. Therefore, it has been classified as a Variant of Uncertain Significance. Algorithms developed to predict the effect of sequence changes on RNA splicing suggest that this variant is not likely to affect RNA splicing.